The following is an entry in ClinVar:

NM_001378457.1(DMXL2):c.1808T>C (p.Met603Thr)

Gene: DMXL2 (Dmx like 2; minus strand). Cytogenetic location: 15q21.2.
Variant type: single nucleotide variant.
Coding change: c.1808T>C on transcript NM_001378457.1 (MANE Select); coding-DNA position 1808, T replaced by C.
Protein change: p.Met603Thr; replaces methionine 603 with threonine.
Molecular consequence: missense variant. On other transcripts: non-coding transcript variant (2).
Genome position (GRCh38, 1-based): chr15:51,536,672, A>G on the plus strand (T>C on the coding strand, the complement: DMXL2 is on the minus strand). VCF-style: chr15-51536672-A-G. GRCh37 (hg19) VCF-style: chr15-51828869-A-G.
Other names: c.1808T>C, p.Met603Thr (NM_001378458.1, NM_001378459.1, NM_001378460.1 and 6 more transcripts); c.1568T>C, p.Met523Thr (NM_001378464.1); short protein forms M603T, M523T.
Identifiers: ClinVar variation 1953955 (VCV001953955.5), dbSNP rs2048305414, ClinGen allele CA392466504.

ClinVar aggregate classification (germline): Uncertain significance (1 of 4 stars; one submission).

gnomAD v4.1: 1 of 1,614,142 alleles (0.000062%); highest among the groups gnomAD compares: Non-Finnish European, 0.000085%; no homozygotes.

Submission:

Labcorp Genetics (formerly Invitae), Labcorp
Classification: Uncertain significance. Last evaluated: 2022-01-21. Review status: criteria provided, single submitter. Criteria: Invitae Variant Classification Sherloc (09022015). Collection method: clinical testing. Allele origin: germline.
Comment: In summary, the available evidence is currently insufficient to determine the role of this variant in disease. Therefore, it has been classified as a Variant of Uncertain Significance. Algorithms developed to predict the effect of missense changes on protein structure and function (SIFT, PolyPhen-2, Align-GVGD) all suggest that this variant is likely to be tolerated. This variant has not been reported in the literature in individuals affected with DMXL2-related conditions. This variant is not present in population databases (gnomAD no frequency). This sequence change replaces methionine, which is neutral and non-polar, with threonine, which is neutral and polar, at codon 603 of the DMXL2 protein (p.Met603Thr).